The following is an entry in ClinVar:

NM_181303.2(NLGN3):c.2322G>C (p.Glu774Asp)

Gene: NLGN3 (neuroligin 3; plus strand). Cytogenetic location: Xq13.1.
Variant type: single nucleotide variant.
Coding change: c.2322G>C on transcript NM_181303.2 (MANE Select); coding-DNA position 2322, G replaced by C.
Protein change: p.Glu774Asp; replaces glutamic acid 774 with aspartic acid.
Molecular consequence: missense variant.
Genome position (GRCh38, 1-based): chrX:71,169,872, G>C. VCF-style: chrX-71169872-G-C. GRCh37 (hg19) VCF-style: chrX-70389722-G-C.
Other names: c.2202G>C, p.Glu734Asp (NM_001166660.2); c.1911G>C, p.Glu637Asp (NM_001321276.2, NM_001438298.1); c.1971G>C, p.Glu657Asp (NM_001437941.1, NM_001438296.1); c.2262G>C, p.Glu754Asp (NM_018977.4); short protein forms E657D, E774D, E637D, E734D, E754D.
Identifiers: ClinVar variation 5009490 (VCV005009490.1).
Genomic context (GRCh38, chrX:71,169,872, plus strand): 5'-GTTGGGAGCTGCTCCAGAGGAGGAGCTGGCAGCATTACAACTGGGCCCCACCCACCACGA[G>C]TGTGAGGCCGGTCCCCCCCATGACACGCTGCGCCTCACTGCATTGCCCGACTACACCCTG-3'
Protein context (NP_851820.1, residues 764-784): AALQLGPTHH[Glu774Asp]CEAGPPHDTL

ClinVar aggregate classification (germline): Uncertain significance (1 of 4 stars; one submission).

Submission:

GeneDx
Classification: Uncertain significance. Last evaluated: 2026-03-19. Review status: criteria provided, single submitter. Criteria: GeneDx Variant Classification Process June 2021. Collection method: clinical testing. Allele origin: germline.
Comment: Not observed at significant frequency in large population cohorts (gnomAD); In silico analysis suggests that this missense variant does not alter protein structure/function; Has not been previously published as pathogenic or benign to our knowledge